The following is an entry in ClinVar:

NM_001429.4(EP300):c.3142+2T>A

Genes: EP300 (EP300 lysine acetyltransferase; plus strand), LOC126863158 (BRD4-independent group 4 enhancer GRCh37_chr22:41547383-41548582; plus strand). Cytogenetic location: 22q13.2.
Variant type: single nucleotide variant.
Coding change: c.3142+2T>A on transcript NM_001429.4 (MANE Select); the canonical splice donor site of the intron after coding-DNA position 3142, T replaced by A.
Molecular consequence: splice donor variant.
Genome position (GRCh38, 1-based): chr22:41,152,352, T>A. VCF-style: chr22-41152352-T-A. GRCh37 (hg19) VCF-style: chr22-41548356-T-A.
Other names: c.3064+2T>A (NM_001362843.2).
Identifiers: ClinVar variation 4723064 (VCV004723064.1).

ClinVar aggregate classification (germline): Likely pathogenic (1 of 4 stars; one submission).

Conditions:
Rubinstein-Taybi syndrome due to EP300 haploinsufficiency. Also called: EP300-Related Rubinstein-Taybi Syndrome; RUBINSTEIN-TAYBI SYNDROME 2. Identifiers: Orphanet 353284, Orphanet 783, MedGen C3150941, MONDO:0013364, OMIM 613684.

Submission:

Labcorp Genetics (formerly Invitae), Labcorp
Classification: Likely pathogenic for Rubinstein-Taybi syndrome due to EP300 haploinsufficiency. Last evaluated: 2025-07-13. Review status: criteria provided, single submitter. Criteria: Invitae Variant Classification Sherloc (09022015). Collection method: clinical testing. Allele origin: germline.
Comment: This sequence change affects a donor splice site in intron 16 of the EP300 gene. It is expected to disrupt RNA splicing. Variants that disrupt the donor or acceptor splice site typically lead to a loss of protein function (PMID: 16199547), and loss-of-function variants in EP300 are known to be pathogenic (PMID: 15706485, 24476420). This variant is not present in population databases (gnomAD no frequency). This variant has not been reported in the literature in individuals affected with EP300-related conditions. Algorithms developed to predict the effect of sequence changes on RNA splicing suggest that this variant may disrupt the consensus splice site. In summary, the currently available evidence indicates that the variant is pathogenic, but additional data are needed to prove that conclusively. Therefore, this variant has been classified as Likely Pathogenic.

Literature cited by the submitters: PubMed 16199547; PubMed 15706485; PubMed 24476420.